The following is an entry in ClinVar:

NM_005251.3(FOXC2):c.362G>A (p.Arg121His)

Genes: FOXC2 (forkhead box C2; plus strand), FOXC2-AS1 (FOXC2 antisense RNA 1; minus strand). Cytogenetic location: 16q24.1.
Variant type: single nucleotide variant.
Coding change: c.362G>A on transcript NM_005251.3 (MANE Select); coding-DNA position 362, G replaced by A.
Protein change: p.Arg121His; replaces arginine 121 with histidine.
Molecular consequence: missense variant. On other transcripts: non-coding transcript variant (1).
Genome position (GRCh38, 1-based): chr16:86,567,697, G>A. VCF-style: chr16-86567697-G-A. GRCh37 (hg19) VCF-style: chr16-86601303-G-A.
Other names: short protein forms R121H.
Identifiers: ClinVar variation 7261 (VCV000007261.2), dbSNP rs121909107, ClinGen allele CA254127.

ClinVar aggregate classification (germline): Pathogenic. Review status: criteria provided, single submitter (1 of 4 stars). 2 submissions from 2 submitters: Pathogenic (1). 1 of the submissions does not count toward it. Last evaluated 2022-02-02.

Conditions:
Distichiasis-lymphedema syndrome. Also called: LYMPHEDEMA WITH DISTICHIASIS. Identifiers: Orphanet 33001, MedGen C0265345, MONDO:0007922, OMIM 153400.

Submissions (2):

Victorian Clinical Genetics Services, Murdoch Childrens Research Institute
Classification: Pathogenic for Distichiasis-lymphedema syndrome. Last evaluated: 2022-02-02. Review status: criteria provided, single submitter. Criteria: ACMG Guidelines, 2015. Collection method: clinical testing. Allele origin: germline. Inheritance: Autosomal dominant inheritance. Affected: yes.
Comment: Based on the classification scheme VCGS_Germline_v1.3.4, this variant is classified as Pathogenic. Following criteria are met: 0103 - Loss of function and gain of function are known mechanisms of disease in this gene and are associated with lymphedema-distichiasis syndrome with or without renal disease and diabetes mellitus (MIM#153400). Missense variants within the forkhead domain and truncating variants in the N-terminal are found to cause loss of function, while missense variants outside of the forkhead domain and truncating variants in the C-terminal region of the protein are gain of function (PMID: 27276711, PMID: 16081467, PMID: 19760751). (I) 0107 - This gene is associated with autosomal dominant disease. (I) 0112 - The condition associated with this gene has incomplete penetrance (PMID: 24278289). (I) 0200 - Variant is predicted to result in a missense amino acid change from arginine to histidine. (I) 0251 - This variant is heterozygous. (I) 0301 - Variant is absent from gnomAD (both v2 and v3). (SP) 0501 - Missense variant consistently predicted to be damaging by multiple in silico tools or highly conserved with a major amino acid change. (SP) 0601 - Variant is located in the well-established functional helix 3 of the forkhead domain; NCBI, PDB). Nearby missense were also functionally shown to impair protein function (PMID: 16081467, PMID: 19760751). (SP) 0703 - Another missense variant comparable to the one identified in this case has moderate previous evidence for pathogenicity. This alternative change (p.(Arg121Cys)) has been observed in two families with Lymphedema-distichiasis syndrome, and classified as pathogenic and likely pathogenic. In one individual, the variant was de novo (ClinVar, PMID: 19760751, PMID: 25252123). (SP) 0803 - This variant has limited previous evidence of pathogenicity in an unrelated individual. This variant has been observed in an individual with Lymphedema-distichiasis syndrome (ClinVar, PMID: 12114478). (SP) 0905 - No published segregation evidence has been identified for this variant. (I) 1002 - This variant has moderate functional evidence supporting abnormal protein function. Transfected cells demonstrated impaired protein localization and transactivation ability (PMID:16081467). (SP) 1102 - Strong phenotype match for this individual. (I) Legend: (SP) - Supporting pathogenic, (I) - Information, (SB) - Supporting benign

OMIM
Classification: Pathogenic for LYMPHEDEMA-DISTICHIASIS SYNDROME. Last evaluated: 2005-09-15. Review status: no assertion criteria provided. Collection method: literature only. Allele origin: germline. Not counted in ClinVar's aggregate classification.

Literature cited by the submitters: PubMed 12114478 (cited by Victorian Clinical Genetics Services, Murdoch Childrens Research Institute and OMIM); PubMed 16081467 (cited by Victorian Clinical Genetics Services, Murdoch Childrens Research Institute and OMIM); PubMed 19760751 (cited by Victorian Clinical Genetics Services, Murdoch Childrens Research Institute); PubMed 24278289 (cited by Victorian Clinical Genetics Services, Murdoch Childrens Research Institute); PubMed 25252123 (cited by Victorian Clinical Genetics Services, Murdoch Childrens Research Institute); PubMed 27276711 (cited by Victorian Clinical Genetics Services, Murdoch Childrens Research Institute).